The following is an entry in ClinVar:

NM_002693.3(POLG):c.2669A>C (p.Asp890Ala)

Gene: POLG (DNA polymerase gamma, catalytic subunit; minus strand). Cytogenetic location: 15q26.1.
Variant type: single nucleotide variant.
Coding change: c.2669A>C on transcript NM_002693.3 (MANE Select); coding-DNA position 2669, A replaced by C.
Protein change: p.Asp890Ala; replaces aspartic acid 890 with alanine.
Molecular consequence: missense variant.
Genome position (GRCh38, 1-based): chr15:89,321,190, T>G on the plus strand (A>C on the coding strand, the complement: POLG is on the minus strand). VCF-style: chr15-89321190-T-G. GRCh37 (hg19) VCF-style: chr15-89864421-T-G.
Other names: c.2669A>C, p.Asp890Ala (NM_001126131.2); short protein forms D890A.
Identifiers: ClinVar variation 619422 (VCV000619422.4), dbSNP rs1567186779, ClinGen allele CA10602238.

ClinVar aggregate classification (germline): Pathogenic/Likely pathogenic. Review status: criteria provided, multiple submitters, no conflicts (2 of 4 stars). 2 submissions from 2 submitters: Pathogenic (1); Likely pathogenic (1). Last evaluated 2022-10-19.

Conditions:
POLG-related disorder. Also called: POLG-Related Spectrum Disorders; POLG-related condition; POLG-Related Disorders. Identifiers: MedGen C4763519.
Progressive external ophthalmoplegia with mitochondrial DNA deletions, autosomal dominant 1 (PEOA1). Also called: PROGRESSIVE EXTERNAL OPHTHALMOPLEGIA, AUTOSOMAL DOMINANT 1; Autosomal Dominant Progressive External Ophthalmoplegia (adPEO). Identifiers: MedGen C1834846, MONDO:0024528, OMIM 157640.

Submissions (2):

Blueprint Genetics
Classification: Likely pathogenic for POLG-related disorders. Last evaluated: 2022-10-19. Review status: criteria provided, single submitter. Criteria: ACMG Guidelines, 2015. Collection method: clinical testing. Allele origin: germline. Affected: yes. Observed: 1 variant allele.

Wong Mito Lab, Molecular and Human Genetics, Baylor College of Medicine
Classification: Pathogenic for Progressive external ophthalmoplegia with mitochondrial DNA deletions, autosomal dominant 1. Last evaluated: 2018-10-01. Review status: criteria provided, single submitter. Criteria: ACMG Guidelines, 2015. Collection method: clinical testing. Allele origin: germline. Inheritance: Autosomal dominant inheritance.
Comment: The NM_002693.2:c.2669A>C (NP_002684.1:p.Asp890Ala) [GRCH38: NC_000015.10:g.89321190T>G] variant in POLG gene is interpretated to be a Pathogenic based on ACMG guidelines (PMID: 25741868). This variant meets the following evidence codes reported in the ACMG-guideline. PS2:This is a de Novo variant in POLG with confirmation of paternity & maternity PM1:This variant is in mutational hot spot or a well-studied functional domain without benign variation. PM2:This variant is absent in key population databases. PM3:Detected in trans with a pathogenic variant for Mitochondrial DNA depletion syndrome 4A (Alpers type) which is a recessive disorder. PP1:This variant is co-segregated with Mitochondrial DNA depletion syndrome 4A (Alpers type) in multiple affected family members. PP2:This is a missense variant in POLG with a low rate of benign and high rate of pathogenic missense variations. PP3:Computational evidence/predictors indicate the variant has deleterious effect on POLG structure, function, or protein-protein interaction. PP4:Patient's phenotype or family history is highly specific for POLG. Based on the evidence criteria codes applied, the variant is suggested to be Pathogenic.